The following is an entry in ClinVar:

NM_001111125.3(IQSEC2):c.3674C>T (p.Thr1225Ile)

Gene: IQSEC2 (IQ motif and Sec7 domain ArfGEF 2; minus strand). Cytogenetic location: Xp11.22.
Variant type: single nucleotide variant.
Coding change: c.3674C>T on transcript NM_001111125.3 (MANE Select); coding-DNA position 3674, C replaced by T.
Protein change: p.Thr1225Ile; replaces threonine 1225 with isoleucine.
Molecular consequence: missense variant. On other transcripts: 3 prime UTR variant (1).
Genome position (GRCh38, 1-based): chrX:53,235,012, G>A on the plus strand (C>T on the coding strand, the complement: IQSEC2 is on the minus strand). VCF-style: chrX-53235012-G-A. GRCh37 (hg19) VCF-style: chrX-53264194-G-A.
Other names: c.3674C>T (NM_001111125.1); c.*159C>T (NM_015075.2); short protein forms T1225I.
Identifiers: ClinVar variation 1052061 (VCV001052061.17), dbSNP rs2147004930, ClinGen allele CA413141546.

ClinVar aggregate classification (germline): Uncertain significance. Review status: criteria provided, multiple submitters, no conflicts (2 of 4 stars). 4 submissions from 4 submitters: Uncertain significance (4). Last evaluated 2023-07-03.

Conditions:
Intellectual developmental disorder, X-linked 1. Also called: Atkin Flaitz Patil Smith syndrome; Intellectual disability, X-linked 1; MENTAL RETARDATION, X-LINKED 18; MENTAL RETARDATION, X-LINKED 78. Identifiers: Orphanet 777, MedGen C2931498, MONDO:0010656, OMIM 309530.

Allele frequency attached by ClinVar (database versions not stated): gnomAD exomes 0.00001.
gnomAD v4.1: 2 of 1,166,803 alleles (0.00017%); highest among the groups gnomAD compares: Non-Finnish European, 0.00023%; no homozygotes.

Submissions (4):

Revvity Omics, Revvity
Classification: Uncertain significance for Intellectual developmental disorder, X-linked 1. Last evaluated: 2023-07-03. Review status: criteria provided, single submitter. Criteria: ACMG Guidelines, 2015. Collection method: clinical testing. Allele origin: germline.

GeneDx
Classification: Uncertain significance. Last evaluated: 2023-03-29. Review status: criteria provided, single submitter. Criteria: GeneDx Variant Classification Process June 2021. Collection method: clinical testing. Allele origin: germline. Affected: yes.
Comment: Not observed at significant frequency in large population cohorts (gnomAD); In silico analysis supports that this missense variant does not alter protein structure/function; Has not been previously published as pathogenic or benign to our knowledge

Fulgent Genetics
Classification: Uncertain significance for Intellectual developmental disorder, X-linked 1. Last evaluated: 2021-09-15. Review status: criteria provided, single submitter. Criteria: ACMG Guidelines, 2015. Collection method: clinical testing. Allele origin: unknown.

Labcorp Genetics (formerly Invitae), Labcorp
Classification: Uncertain significance for Intellectual developmental disorder, X-linked 1. Last evaluated: 2021-08-02. Review status: criteria provided, single submitter. Criteria: Invitae Variant Classification Sherloc (09022015). Collection method: clinical testing. Allele origin: germline.
Comment: This variant is not present in population databases (ExAC no frequency). In summary, the available evidence is currently insufficient to determine the role of this variant in disease. Therefore, it has been classified as a Variant of Uncertain Significance. Advanced modeling of protein sequence and biophysical properties (such as structural, functional, and spatial information, amino acid conservation, physicochemical variation, residue mobility, and thermodynamic stability) performed at Invitae indicates that this missense variant is not expected to disrupt IQSEC2 protein function. ClinVar contains an entry for this variant (Variation ID: 1052061). This variant has not been reported in the literature in individuals affected with IQSEC2-related conditions. This sequence change replaces threonine with isoleucine at codon 1225 of the IQSEC2 protein (p.Thr1225Ile). The threonine residue is weakly conserved and there is a moderate physicochemical difference between threonine and isoleucine.